The following is an entry in ClinVar:

ClinVar aggregate classification (germline): Pathogenic (1 of 4 stars; one submission).

Allele frequency attached by ClinVar (database versions not stated): gnomAD exomes below 0.00001.
gnomAD v4.1: 1 of 1,613,884 alleles (0.000062%); highest among the groups gnomAD compares: Non-Finnish European, 0.000085%; no homozygotes.

Submission:

Labcorp Genetics (formerly Invitae), Labcorp
Classification: Pathogenic. Last evaluated: 2023-09-18. Review status: criteria provided, single submitter. Criteria: Invitae Variant Classification Sherloc (09022015). Collection method: clinical testing. Allele origin: germline.
Comment: For these reasons, this variant has been classified as Pathogenic. This variant has not been reported in the literature in individuals affected with TG-related conditions. This variant is not present in population databases (gnomAD no frequency). This sequence change creates a premature translational stop signal (p.Gln934*) in the TG gene. It is expected to result in an absent or disrupted protein product. Loss-of-function variants in TG are known to be pathogenic (PMID: 19837936, 23164529).

Literature cited by the submitters: PubMed 19837936; PubMed 23164529.

NM_003235.5(TG):c.2800C>T (p.Gln934Ter)

Gene: TG (thyroglobulin; plus strand). Cytogenetic location: 8q24.22.
Variant type: single nucleotide variant.
Coding change: c.2800C>T on transcript NM_003235.5 (MANE Select); coding-DNA position 2800, C replaced by T.
Protein change: p.Gln934Ter; replaces glutamine 934 with a stop codon.
Molecular consequence: nonsense.
Genome position (GRCh38, 1-based): chr8:132,893,728, C>T. VCF-style: chr8-132893728-C-T. GRCh37 (hg19) VCF-style: chr8-133905973-C-T.
Other names: short protein forms Q934*.
Identifiers: ClinVar variation 2777089 (VCV002777089.3), dbSNP rs2489957353, ClinGen allele CA372238693.